The following is an entry in ClinVar:

NM_001276345.2(TNNT2):c.321G>C (p.Lys107Asn)

Gene: TNNT2 (troponin T2, cardiac type; minus strand). Cytogenetic location: 1q32.1.
Variant type: single nucleotide variant.
Coding change: c.321G>C on transcript NM_001276345.2 (MANE Select); coding-DNA position 321, G replaced by C.
Protein change: p.Lys107Asn; replaces lysine 107 with asparagine.
Molecular consequence: missense variant. On other transcripts: intron variant (1).
Genome position (GRCh38, 1-based): chr1:201,365,281, C>G on the plus strand (G>C on the coding strand, the complement: TNNT2 is on the minus strand). VCF-style: chr1-201365281-C-G. GRCh37 (hg19) VCF-style: chr1-201334409-C-G.
Other names: c.321G>C, p.Lys107Asn (NM_000364.4, NM_001406723.1); c.291G>C, p.Lys97Asn (NM_001001430.3, NM_001001431.3, NM_001276347.2 and 3 more transcripts); c.276G>C, p.Lys92Asn (NM_001001432.3, NM_001406728.1); c.288G>C, p.Lys96Asn (NM_001406725.1); c.291+329G>C (NM_001276346.2); short protein forms K96N, K97N, K107N, K92N.
Identifiers: ClinVar variation 2100789 (VCV002100789.4), dbSNP rs397516459, ClinGen allele CA344206509.
Genomic context (GRCh38, chr1:201,365,281, plus strand): 5'-CTCCTCTTTCTTCCTGTTCTCAAAGTGAGCCTCGATCAGCGCCTGCAACTCATTCAGGTC[C>G]TTCTCCATGCGCTTCCGGTGGATGTCCTGTGGGTGGACCGCTGCGGCTCAGAGGCTGCCA-3'
Protein context (NP_001263274.1, residues 97-117): FDDIHRKRME[Lys107Asn]DLNELQALIE

ClinVar aggregate classification (germline): Pathogenic (1 of 4 stars; one submission).

Conditions:
Hypertrophic cardiomyopathy 2. Also called: TNNT2-Related Familial Hypertrophic Cardiomyopathy. Identifiers: MedGen C1861864, MONDO:0007266, OMIM 115195.
Cardiomyopathy, familial restrictive, 3. Identifiers: Orphanet 75249, MedGen C2676271, MONDO:0012900, OMIM 612422.
Dilated cardiomyopathy 1D. Identifiers: Orphanet 154, Orphanet 54260, MedGen C1832243, MONDO:0011095, OMIM 601494.

Submission:

Labcorp Genetics (formerly Invitae), Labcorp
Classification: Pathogenic for Cardiomyopathy, familial restrictive, 3; Hypertrophic cardiomyopathy 2; Dilated cardiomyopathy 1D. Last evaluated: 2022-02-21. Review status: criteria provided, single submitter. Criteria: Invitae Variant Classification Sherloc (09022015). Collection method: clinical testing. Allele origin: germline.
Comment: This variant is not present in population databases (gnomAD no frequency). For these reasons, this variant has been classified as Pathogenic. Experimental studies have shown that this missense change affects TNNT2 function (PMID: 28973951, 33025817). Algorithms developed to predict the effect of missense changes on protein structure and function are either unavailable or do not agree on the potential impact of this missense change (SIFT: "Deleterious"; PolyPhen-2: "Probably Damaging"; Align-GVGD: "Class C0"). This missense change has been observed in individuals with hypertrophic cardiomyopathy (PMID: 25524337; Invitae). This sequence change replaces lysine, which is basic and polar, with asparagine, which is neutral and polar, at codon 97 of the TNNT2 protein (p.Lys97Asn).

Literature cited by the submitters: PubMed 28973951; PubMed 33025817; PubMed 25524337.